The following is an entry in ClinVar:

NM_017763.6(RNF43):c.1246T>A (p.Trp416Arg)

Gene: RNF43 (ring finger protein 43; minus strand). Cytogenetic location: 17q22.
Variant type: single nucleotide variant.
Coding change: c.1246T>A on transcript NM_017763.6 (MANE Select); coding-DNA position 1246, T replaced by A.
Protein change: p.Trp416Arg; replaces tryptophan 416 with arginine.
Molecular consequence: missense variant.
Genome position (GRCh38, 1-based): chr17:58,358,530, A>T on the plus strand (T>A on the coding strand, the complement: RNF43 is on the minus strand). VCF-style: chr17-58358530-A-T. GRCh37 (hg19) VCF-style: chr17-56435891-A-T.
Other names: c.1246T>A, p.Trp416Arg (NM_001305544.3); c.865T>A, p.Trp289Arg (NM_001305545.2); short protein forms W289R, W416R.
Identifiers: ClinVar variation 3772342 (VCV003772342.13).

ClinVar aggregate classification (germline): Uncertain significance (1 of 4 stars; one submission).

Submission:

CeGaT Center for Human Genetics Tuebingen
Classification: Uncertain significance. Last evaluated: 2025-01-01. Review status: criteria provided, single submitter. Criteria: CeGaT Center For Human Genetics Tuebingen Variant Classification Criteria Version 2. Collection method: clinical testing. Allele origin: germline. Affected: yes. Observed: 1 variant allele.
Comment: RNF43: PM2, PP4